The following is an entry in ClinVar:

NM_000393.5(COL5A2):c.691-261_691-260dup

Gene: COL5A2 (collagen type V alpha 2 chain; minus strand). Cytogenetic location: 2q32.2.
Variant type: Duplication.
Coding change: c.691-261_691-260dup on transcript NM_000393.5 (MANE Select); 261 bases into the intron before coding-DNA position 691 through 260 bases into the intron before coding-DNA position 691, 2 bases duplicated (CT; older notation c.691-261_691-260dupCT).
Molecular consequence: intron variant.
Genome position (GRCh38, 1-based): chr2:189,086,032-189,086,033, AG duplicated on the plus strand (CT on the coding strand, the reverse complement: COL5A2 is on the minus strand). VCF-style (leftmost placement, unchanged base first): chr2-189086031-C-CAG. GRCh37 (hg19) VCF-style: chr2-189950757-C-CAG.
Identifiers: ClinVar variation 681251 (VCV000681251.1), dbSNP rs5837123, ClinGen allele CA62567881.
Genomic context (GRCh38, chr2:189,086,031, plus strand): 5'-TAGGCTGTTATGGCTGCTGAAGTAATTAATGTATGTTAAGAACCTAGAATAGTGCTGGCA[C>CAG]AGTGTGTGAGTGCTCCATCAATGGTAGTTCTCCTCATCAACATCATCATCATCACCATCA-3'

ClinVar aggregate classification (germline): Benign (1 of 4 stars; one submission).

Allele frequency attached by ClinVar (database versions not stated): 1000 Genomes Project 30x 0.13679; 1000 Genomes Project 0.14018; gnomAD 0.14110 and 0.14210.

Submission:

GeneDx
Classification: Benign. Last evaluated: 2018-06-14. Review status: criteria provided, single submitter. Criteria: GeneDx Variant Classification (06012015). Collection method: clinical testing. Allele origin: germline. Affected: yes.
Comment: This variant is considered likely benign or benign based on one or more of the following criteria: it is a conservative change, it occurs at a poorly conserved position in the protein, it is predicted to be benign by multiple in silico algorithms, and/or has population frequency not consistent with disease.